The following is an entry in ClinVar:

NC_000019.9:g.(?_54621659)_(54797848_?)dup

Genes: CNOT3 (CCR4-NOT transcription complex subunit 3; plus strand), LENG1 (leukocyte receptor cluster member 1; minus strand), LILRA6 (leukocyte immunoglobulin like receptor A6; minus strand), LILRB2 (leukocyte immunoglobulin like receptor B2; minus strand), LILRB3 (leukocyte immunoglobulin like receptor B3; minus strand) and 6 more. Cytogenetic location: 19q13.42.
Variant type: Duplication.
Identifiers: ClinVar variation 3242700 (VCV003242700.1).

ClinVar aggregate classification (germline): Uncertain significance (1 of 4 stars; one submission).

Submission:

Labcorp Genetics (formerly Invitae), Labcorp
Classification: Uncertain significance. Last evaluated: 2023-08-09. Review status: criteria provided, single submitter. Criteria: Invitae Variant Classification Sherloc (09022015). Collection method: clinical testing. Allele origin: unknown.
Comment: A copy number gain of the genomic region encompassing the full coding sequence of the PRPF31 gene has been identified. The boundaries of this event are unknown as they extend beyond the assayed region for this gene and therefore may encompass additional genes. As the precise location of this event is unknown, it may be in tandem or it may be located elsewhere in the genome. This variant has not been reported in the literature in individuals affected with PRPF31-related conditions. In summary, the available evidence is currently insufficient to determine the role of this variant in disease. Therefore, it has been classified as a Variant of Uncertain Significance.